The following is an entry in ClinVar:

NM_001611.5(ACP5):c.637G>A (p.Glu213Lys)

Gene: ACP5 (acid phosphatase 5, tartrate resistant; minus strand). Cytogenetic location: 19p13.2.
Variant type: single nucleotide variant.
Coding change: c.637G>A on transcript NM_001611.5 (MANE Select); coding-DNA position 637, G replaced by A.
Protein change: p.Glu213Lys; replaces glutamic acid 213 with lysine.
Molecular consequence: missense variant.
Genome position (GRCh38, 1-based): chr19:11,576,341, C>T on the plus strand (G>A on the coding strand, the complement: ACP5 is on the minus strand). VCF-style: chr19-11576341-C-T. GRCh37 (hg19) VCF-style: chr19-11687156-C-T.
Other names: c.637G>A, p.Glu213Lys (NM_001111034.3, NM_001111035.3, NM_001111036.3 and 1 more transcripts); short protein forms E213K.
Identifiers: ClinVar variation 2959768 (VCV002959768.3), dbSNP rs142179752, ClinGen allele CA404146404.

ClinVar aggregate classification (germline): Uncertain significance (1 of 4 stars; one submission).

Conditions:
Spondyloenchondrodysplasia with immune dysregulation (SPENCDI). Also called: ROIFMAN IMMUNOSKELETAL SYNDROME; SPONDYLOENCHONDRODYSPLASIA WITH OR WITHOUT IMMUNE DYSREGULATION; COMBINED IMMUNODEFICIENCY WITH AUTOIMMUNITY AND SPONDYLOMETAPHYSEAL DYSPLASIA. Identifiers: Orphanet 1855, MedGen C1842763, MONDO:0011939, OMIM 607944.

gnomAD v4.1: 16 of 1,610,440 alleles (0.00099%); highest among the groups gnomAD compares: Admixed American, 0.012%; no homozygotes.

Submission:

Labcorp Genetics (formerly Invitae), Labcorp
Classification: Uncertain significance for Spondyloenchondrodysplasia with immune dysregulation. Last evaluated: 2024-10-16. Review status: criteria provided, single submitter. Criteria: Invitae Variant Classification Sherloc (09022015). Collection method: clinical testing. Allele origin: germline.
Comment: This sequence change replaces glutamic acid, which is acidic and polar, with lysine, which is basic and polar, at codon 213 of the ACP5 protein (p.Glu213Lys). This variant is present in population databases (no rsID available, gnomAD 0.006%). This variant has not been reported in the literature in individuals affected with ACP5-related conditions. Invitae Evidence Modeling of protein sequence and biophysical properties (such as structural, functional, and spatial information, amino acid conservation, physicochemical variation, residue mobility, and thermodynamic stability) indicates that this missense variant is not expected to disrupt ACP5 protein function with a negative predictive value of 95%. In summary, the available evidence is currently insufficient to determine the role of this variant in disease. Therefore, it has been classified as a Variant of Uncertain Significance.